The following is an entry in ClinVar:

NM_001903.5(CTNNA1):c.139C>T (p.Pro47Ser)

Gene: CTNNA1 (catenin alpha 1; plus strand). Cytogenetic location: 5q31.2.
Variant type: single nucleotide variant.
Coding change: c.139C>T on transcript NM_001903.5 (MANE Select); coding-DNA position 139, C replaced by T.
Protein change: p.Pro47Ser; replaces proline 47 with serine.
Molecular consequence: missense variant. On other transcripts: intron variant (1), 5 prime UTR variant (1).
Genome position (GRCh38, 1-based): chr5:138,783,210, C>T. VCF-style: chr5-138783210-C-T. GRCh37 (hg19) VCF-style: chr5-138118899-C-T.
Other names: c.139C>T, p.Pro47Ser (NM_001323983.1, NM_001323986.2, NM_001323984.2 and 3 more transcripts); c.-9+1181C>T (NM_001290309.3); c.-68C>T (NM_001290310.3); short protein forms P47S.
Identifiers: ClinVar variation 1771728 (VCV001771728.2), dbSNP rs2149656154, ClinGen allele CA361477329.

ClinVar aggregate classification (germline): Uncertain significance (1 of 4 stars; one submission).

Conditions:
Hereditary cancer-predisposing syndrome. Also called: Hereditary Cancer Syndrome; Hereditary neoplastic syndrome; Neoplastic Syndromes, Hereditary; Tumor predisposition. Identifiers: Orphanet 140162, MedGen C0027672, MeSH D009386, MONDO:0015356.

Submission:

Ambry Genetics
Classification: Uncertain significance for Hereditary cancer-predisposing syndrome. Last evaluated: 2022-03-07. Review status: criteria provided, single submitter. Criteria: Ambry Variant Classification Scheme 2023. Collection method: clinical testing. Allele origin: germline.
Comment: The p.P47S variant (also known as c.139C>T), located in coding exon 2 of the CTNNA1 gene, results from a C to T substitution at nucleotide position 139. The proline at codon 47 is replaced by serine, an amino acid with similar properties. This amino acid position is conserved. In addition, the in silico prediction for this alteration is inconclusive. Since supporting evidence is limited at this time, the clinical significance of this alteration remains unclear.